The following is an entry in ClinVar:

ClinVar aggregate classification (germline): Uncertain significance. Review status: criteria provided, multiple submitters, no conflicts (2 of 4 stars). 4 submissions from 4 submitters: Uncertain significance (4). Last evaluated 2024-10-15.

Conditions:
Muscular dystrophy-dystroglycanopathy (congenital with brain and eye anomalies), type A2. Also called: WALKER-WARBURG SYNDROME OR MUSCLE-EYE-BRAIN DISEASE, POMT2-RELATED; MUSCULAR DYSTROPHY-DYSTROGLYCANOPATHY (CONGENITAL WITH BRAIN AND EYE ANOMALIES), TYPE A, 2. Identifiers: Orphanet 588, Orphanet 899, MedGen C3150411, MONDO:0013154, OMIM 613150.
Muscular dystrophy-dystroglycanopathy (congenital with impaired intellectual development), type B, 2. Also called: MUSCULAR DYSTROPHY, CONGENITAL, POMT2-RELATED; Muscular dystrophy-dystroglycanopathy (congenital with intellectual disability), type B2. Identifiers: MedGen C3150416, MONDO:0013160, OMIM 613156.
Autosomal recessive limb-girdle muscular dystrophy type 2N. Also called: MUSCULAR DYSTROPHY-DYSTROGLYCANOPATHY, LIMB-GIRDLE, POMT2-RELATED; Muscular dystrophy-dystroglycanopathy (limb-girdle), type C, 2. Identifiers: Orphanet 206559, MedGen C3150418, MONDO:0013162, OMIM 613158.

Allele frequency attached by ClinVar (database versions not stated): gnomAD exomes 0.00001; TOPMed 0.00001; gnomAD 0.00010; ExAC 0.00002.
gnomAD v4.1: 31 of 1,612,708 alleles (0.0019%); highest among the groups gnomAD compares: African/African-American, 0.004%; no homozygotes.

Submissions (4):

Labcorp Genetics (formerly Invitae), Labcorp
Classification: Uncertain significance for Muscular dystrophy-dystroglycanopathy (congenital with impaired intellectual development), type B, 2; Muscular dystrophy-dystroglycanopathy (congenital with brain and eye anomalies), type A2; Autosomal recessive limb-girdle muscular dystrophy type 2N. Last evaluated: 2024-10-15. Review status: criteria provided, single submitter. Criteria: Invitae Variant Classification Sherloc (09022015). Collection method: clinical testing. Allele origin: germline.
Comment: This sequence change replaces arginine, which is basic and polar, with tryptophan, which is neutral and slightly polar, at codon 455 of the POMT2 protein (p.Arg455Trp). This variant is present in population databases (rs398124261, gnomAD 0.004%). This variant has not been reported in the literature in individuals affected with POMT2-related conditions. ClinVar contains an entry for this variant (Variation ID: 95534). Invitae Evidence Modeling of protein sequence and biophysical properties (such as structural, functional, and spatial information, amino acid conservation, physicochemical variation, residue mobility, and thermodynamic stability) has been performed for this missense variant. However, the output from this modeling did not meet the statistical confidence thresholds required to predict the impact of this variant on POMT2 protein function. In summary, the available evidence is currently insufficient to determine the role of this variant in disease. Therefore, it has been classified as a Variant of Uncertain Significance.

Athena Diagnostics
Classification: Uncertain significance. Last evaluated: 2020-02-18. Review status: criteria provided, single submitter. Criteria: Athena Diagnostics Criteria. Collection method: clinical testing. Allele origin: unknown.

Revvity Omics, Revvity
Classification: Uncertain significance. Last evaluated: 2019-08-08. Review status: criteria provided, single submitter. Criteria: ACMG Guidelines, 2015. Collection method: clinical testing. Allele origin: germline.

Eurofins Ntd Llc (ga)
Classification: Uncertain significance. Last evaluated: 2013-10-18. Review status: criteria provided, single submitter. Criteria: EGL Classification Definitions 2015. Collection method: clinical testing. Allele origin: germline. Observed: 1 variant allele, 1 heterozygote.

NM_013382.7(POMT2):c.1363C>T (p.Arg455Trp)

Gene: POMT2 (protein O-mannosyltransferase 2; minus strand). Cytogenetic location: 14q24.3.
Variant type: single nucleotide variant.
Coding change: c.1363C>T on transcript NM_013382.7 (MANE Select); coding-DNA position 1363, C replaced by T.
Protein change: p.Arg455Trp; replaces arginine 455 with tryptophan.
Molecular consequence: missense variant.
Genome position (GRCh38, 1-based): chr14:77,285,602, G>A on the plus strand (C>T on the coding strand, the complement: POMT2 is on the minus strand). VCF-style: chr14-77285602-G-A. GRCh37 (hg19) VCF-style: chr14-77751945-G-A.
Identifiers: ClinVar variation 95534 (VCV000095534.17), dbSNP rs398124261, ClinGen allele CA223065.